The following is an entry in ClinVar:

ClinVar aggregate classification (germline): Uncertain significance (1 of 4 stars; one submission).

gnomAD v4.1: 14 of 1,613,986 alleles (0.00087%); highest among the groups gnomAD compares: East Asian, 0.02%; no homozygotes.

Submission:

GeneDx
Classification: Uncertain significance. Last evaluated: 2025-04-29. Review status: criteria provided, single submitter. Criteria: GeneDx Variant Classification Process June 2021. Collection method: clinical testing. Allele origin: germline. Affected: yes.
Comment: In silico analysis supports that this missense variant has a deleterious effect on protein structure/function; This variant is associated with the following publications: (PMID: 28173647, 38469088)

NM_001008216.2(GALE):c.925G>A (p.Ala309Thr)

Gene: GALE (UDP-galactose-4-epimerase; minus strand). Cytogenetic location: 1p36.11.
Variant type: single nucleotide variant.
Coding change: c.925G>A on transcript NM_001008216.2 (MANE Select); coding-DNA position 925, G replaced by A.
Protein change: p.Ala309Thr; replaces alanine 309 with threonine.
Molecular consequence: missense variant.
Genome position (GRCh38, 1-based): chr1:23,796,214, C>T on the plus strand (G>A on the coding strand, the complement: GALE is on the minus strand). VCF-style: chr1-23796214-C-T. GRCh37 (hg19) VCF-style: chr1-24122704-C-T.
Other names: c.925G>A, p.Ala309Thr (NM_000403.4, NM_001127621.2); short protein forms A309T.
Identifiers: ClinVar variation 4528276 (VCV004528276.1).
Genomic context (GRCh38, chr1:23,796,214, plus strand): 5'-TCCTGTCCAGCCCTAAGGCTGCTGTCCACCCCAGCTCCTCTTGGGCCAGGCTGGGGTTGG[C>T]GTAACAGGCTGCCACATCACCTTCCCGCCGTGCCACCACCTTGTACGGGATCTGCAAGAC-3'
Protein context (NP_001008217.1, residues 299-319): RREGDVAACY[Ala309Thr]NPSLAQEELG